The following is an entry in ClinVar:

ClinVar aggregate classification (germline): Uncertain significance (1 of 4 stars; one submission).

Submission:

Greenwood Genetic Center Diagnostic Laboratories, Greenwood Genetic Center
Classification: Uncertain significance. Last evaluated: 2023-05-05. Review status: criteria provided, single submitter. Criteria: ACMG Guidelines, 2015. Collection method: clinical testing. Allele origin: germline. Affected: yes.
Comment: Gene of Uncertain Significance

NM_017416.2(IL1RAPL2):c.1637_1638del (p.Asn545_Ser546insTer)

Gene: IL1RAPL2 (interleukin 1 receptor accessory protein like 2; plus strand). Cytogenetic location: Xq22.3.
Variant type: Deletion.
Coding change: c.1637_1638del on transcript NM_017416.2 (MANE Select); coding-DNA positions 1637 to 1638, 2 bases deleted (CT; older notation c.1637_1638delCT).
Protein change: p.Asn545_Ser546insTer.
Molecular consequence: nonsense.
Genome position (GRCh38, 1-based): chrX:105,767,237-105,767,238, CT deleted; deleting any 2 consecutive bases within chrX:105,767,236-105,767,238 gives the same sequence; the c. name uses the placement nearest the transcript's 3' end. VCF-style (leftmost placement, unchanged base first): chrX-105767235-TTC-T. GRCh37 (hg19) VCF-style: chrX-105011228-TTC-T.
Identifiers: ClinVar variation 2572192 (VCV002572192.1), dbSNP rs2544734777, ClinGen allele CA2579668945.
Genomic context (GRCh38, chrX:105,767,235, plus strand): 5'-GCGTAGCATCAAACTTCTGTCCCTGATCAAGTGGAAGGGATCCAAAAGCAGCAAATTAAA[TTC>T]TAAGTTTTGGAAGCACTTAGTATATGAAATGCCCATCAAGAAAAAAGAAATGCTACCTCG-3'